The following is an entry in ClinVar:

NM_001174147.2(LMX1B):c.61_63dup (p.Cys21_Ala22insCys)

Gene: LMX1B (LIM homeobox transcription factor 1 beta; plus strand). Cytogenetic location: 9q33.3.
Variant type: Duplication.
Coding change: c.61_63dup on transcript NM_001174147.2 (MANE Select); coding-DNA positions 61 to 63, 3 bases duplicated (TGC; older notation c.61_63dupTGC).
Protein change: p.Cys21_Ala22insCys.
Genome position (GRCh38, 1-based): chr9:126,614,510-126,614,512, TGC duplicated; duplicating any 3 consecutive bases within chr9:126,614,509-126,614,512 gives the same sequence; the c. name uses the placement nearest the transcript's 3' end. VCF-style (leftmost placement, unchanged base first): chr9-126614508-A-ACTG. GRCh37 (hg19) VCF-style: chr9-129376787-A-ACTG.
Other names: c.61_63dup, p.Cys21_Ala22insCys (NM_001174146.2, NM_002316.4).
Identifiers: ClinVar variation 3360996 (VCV003360996.2).

ClinVar aggregate classification (germline): Uncertain significance (1 of 4 stars; one submission).

Submission:

GeneDx
Classification: Uncertain significance. Last evaluated: 2024-12-02. Review status: criteria provided, single submitter. Criteria: GeneDx Variant Classification Process June 2021. Collection method: clinical testing. Allele origin: germline.
Comment: Not observed at significant frequency in large population cohorts (gnomAD); In-frame insertion of one amino acid in a non-repeat region; Has not been previously published as pathogenic or benign to our knowledge